The following is an entry in ClinVar:

ClinVar aggregate classification (germline): Likely pathogenic. Review status: criteria provided, single submitter (1 of 4 stars). 2 submissions from 2 submitters: Likely pathogenic (1). 1 of the submissions does not count toward it. Last evaluated 2020-03-03.

Conditions:
Alkaptonuria (AKU). Also called: Homogentisic acidura; Alkaptonuric ochronosis; Alcaptonuria; HOMOGENTISIC ACID OXIDASE DEFICIENCY. Identifiers: Orphanet 56, MedGen C0002066, MONDO:0008753, OMIM 203500.

Allele frequency attached by ClinVar (database versions not stated): gnomAD 0.00001; gnomAD exomes 0.00001.
gnomAD v4.1: 5 of 1,613,676 alleles (0.00031%); highest among the groups gnomAD compares: Non-Finnish European, 0.00042%; no homozygotes.

Submissions (2):

Laboratory of Inherited Metabolic Diseases, Research centre for medical genetics
Classification: Likely pathogenic for Alkaptonuria. Last evaluated: 2020-03-03. Review status: criteria provided, single submitter. Criteria: ACMG Guidelines, 2015. Collection method: clinical testing. Allele origin: germline. Inheritance: Autosomal recessive inheritance. Affected: yes. Observed: 1 variant allele.
Comment: Severe damage of the musculoskeletal system

Department Of Human Genetics, Institute Of Clinical And Translational Research, Biomedical Research Center, Slovak Academy Of Sciences
Classification: Pathogenic for Alkaptonuria. Review status: no assertion criteria provided. Collection method: research. Allele origin: germline. Inheritance: Autosomal recessive inheritance. Affected: yes. Observed: 1 variant allele. Not counted in ClinVar's aggregate classification.
Comment: The variant was originally described in AKU patient in PMID:34504318 and PMID:33621656. It has been submitted to the HGD gene mutation database (DB-ID: AKU_00231).

Literature cited by the submitters: PubMed 34504318 (cited by Department Of Human Genetics, Institute Of Clinical And Translational Research, Biomedical Research Center, Slovak Academy Of Sciences); PubMed 33621656 (cited by Department Of Human Genetics, Institute Of Clinical And Translational Research, Biomedical Research Center, Slovak Academy Of Sciences).

NM_000187.4(HGD):c.536T>G (p.Ile179Ser)

Gene: HGD (homogentisate 1,2-dioxygenase; minus strand). Cytogenetic location: 3q13.33.
Variant type: single nucleotide variant.
Coding change: c.536T>G on transcript NM_000187.4 (MANE Select); coding-DNA position 536, T replaced by G.
Protein change: p.Ile179Ser; replaces isoleucine 179 with serine.
Molecular consequence: missense variant.
Genome position (GRCh38, 1-based): chr3:120,646,986, A>C on the plus strand (T>G on the coding strand, the complement: HGD is on the minus strand). VCF-style: chr3-120646986-A-C. GRCh37 (hg19) VCF-style: chr3-120365833-A-C.
Other names: short protein forms I179S.
Identifiers: ClinVar variation 929481 (VCV000929481.2), dbSNP rs1031569954, ClinGen allele CA81787043.